The following is an entry in ClinVar:

NM_007375.4(TARDBP):c.90G>A (p.Thr30=)

Gene: TARDBP (TAR DNA binding protein; plus strand). Cytogenetic location: 1p36.22.
Variant type: single nucleotide variant.
Coding change: c.90G>A on transcript NM_007375.4 (MANE Select); coding-DNA position 90, G replaced by A.
Protein change: p.Thr30=; no amino-acid change (threonine 30 retained).
Molecular consequence: synonymous variant.
Genome position (GRCh38, 1-based): chr1:11,013,817, G>A. VCF-style: chr1-11013817-G-A. GRCh37 (hg19) VCF-style: chr1-11073874-G-A.
Identifiers: ClinVar variation 3389374 (VCV003389374.14).

ClinVar aggregate classification (germline): Likely benign (1 of 4 stars; one submission).

gnomAD v4.1: 13 of 1,613,872 alleles (0.00081%); highest among the groups gnomAD compares: African/African-American, 0.0013%; no homozygotes.

Submission:

CeGaT Center for Human Genetics Tuebingen
Classification: Likely benign. Last evaluated: 2024-10-01. Review status: criteria provided, single submitter. Criteria: CeGaT Center For Human Genetics Tuebingen Variant Classification Criteria Version 2. Collection method: clinical testing. Allele origin: germline. Affected: yes. Observed: 1 variant allele.
Comment: TARDBP: BP4, BP7